The following is an entry in ClinVar:

NM_052867.4(NALCN):c.-4C>T

Gene: NALCN (sodium leak channel, non-selective; minus strand). Cytogenetic location: 13q33.1.
Variant type: single nucleotide variant.
Coding change: c.-4C>T on transcript NM_052867.4 (MANE Select); 4 bases upstream of the start codon, C replaced by T.
Molecular consequence: 5 prime UTR variant.
Genome position (GRCh38, 1-based): chr13:101,399,130, G>A on the plus strand (C>T on the coding strand, the complement: NALCN is on the minus strand). VCF-style: chr13-101399130-G-A. GRCh37 (hg19) VCF-style: chr13-102051481-G-A.
Other names: c.-4C>T (NM_001350748.2, NM_001350749.2, NM_001350750.2 and 2 more transcripts).
Identifiers: ClinVar variation 1803485 (VCV001803485.3), dbSNP rs375272205, ClinGen allele CA7036580.

ClinVar aggregate classification (germline): Uncertain significance. Review status: criteria provided, single submitter (1 of 4 stars). 2 submissions from 2 submitters: Uncertain significance (1). 1 of the submissions does not count toward it. Last evaluated 2022-11-17.

Conditions:
NALCN-related disorder. Also called: NALCN-related condition; NALCN-related disorders.

Allele frequency attached by ClinVar (database versions not stated): gnomAD exomes below 0.00001; ExAC 0.00005; gnomAD 0.00008; TOPMed 0.00009; ESP Exome Variant Server 0.00015; 1000 Genomes Project 30x 0.00016; 1000 Genomes Project 0.00020.
gnomAD v4.1: 19 of 1,613,086 alleles (0.0012%); highest among the groups gnomAD compares: African/African-American, 0.021%; no homozygotes.

Submissions (2):

GeneDx
Classification: Uncertain significance. Last evaluated: 2022-11-17. Review status: criteria provided, single submitter. Criteria: GeneDx Variant Classification Process June 2021. Collection method: clinical testing. Allele origin: germline. Affected: yes.
Comment: Has not been previously published as pathogenic or benign to our knowledge; In the absence of RNA/functional studies, the actual effect of this sequence change is unknown

PreventionGenetics, part of Exact Sciences
Classification: Uncertain significance for NALCN-related condition. Last evaluated: 2023-12-07. Review status: no assertion criteria provided. Collection method: clinical testing. Allele origin: germline. Not counted in ClinVar's aggregate classification.
Comment: The NALCN c.-4C>T variant is located in the 5' untranslated region. To our knowledge, this variant has not been reported in the literature. This variant is reported in 0.048% of alleles in individuals of African descent in gnomAD. This variant is predicted to alter splicing based on available splicing prediction software (SpliceAI, Jaganathan et al. 2019. PubMed ID: 30661751). However, the use of computer prediction softwares is not equivalent to functional evidence. At this time, the clinical significance of this variant is uncertain due to the absence of conclusive functional and genetic evidence.